The following is an entry in ClinVar:

NM_001042492.3(NF1):c.1247G>C (p.Arg416Pro)

Gene: NF1 (neurofibromin 1; plus strand). Cytogenetic location: 17q11.2.
Variant type: single nucleotide variant.
Coding change: c.1247G>C on transcript NM_001042492.3 (MANE Select); coding-DNA position 1247, G replaced by C.
Protein change: p.Arg416Pro; replaces arginine 416 with proline.
Molecular consequence: missense variant.
Genome position (GRCh38, 1-based): chr17:31,201,472, G>C. VCF-style: chr17-31201472-G-C. GRCh37 (hg19) VCF-style: chr17-29528490-G-C.
Other names: c.1247G>C, p.Arg416Pro (NM_000267.4, NM_001128147.3); short protein forms R416P.
Identifiers: ClinVar variation 2000283 (VCV002000283.5), dbSNP rs1343309278, ClinGen allele CA398997714.

ClinVar aggregate classification (germline): Uncertain significance. Review status: criteria provided, multiple submitters, no conflicts (2 of 4 stars). 2 submissions from 2 submitters: Uncertain significance (2). Last evaluated 2023-09-27.

Conditions:
Neurofibromatosis, type 1 (NF1). Also called: Neurofibromatosis, type I; Peripheral type neurofibromatosis; NEUROFIBROMATOSIS, TYPE I, SOMATIC; VON RECKLINGHAUSEN DISEASE. Identifiers: Orphanet 636, MedGen C0027831, MONDO:0018975, OMIM 162200. Disease mechanism: loss of function.
Cardiovascular phenotype. Identifiers: MedGen CN230736.
Hereditary cancer-predisposing syndrome. Also called: Hereditary Cancer Syndrome; Tumor predisposition; Hereditary neoplastic syndrome; Neoplastic Syndromes, Hereditary. Identifiers: Orphanet 140162, MedGen C0027672, MeSH D009386, MONDO:0015356.

Submissions (2):

Ambry Genetics
Classification: Uncertain significance for Cardiovascular phenotype; Hereditary cancer-predisposing syndrome. Last evaluated: 2023-09-27. Review status: criteria provided, single submitter. Criteria: Ambry Variant Classification Scheme 2023. Collection method: clinical testing. Allele origin: germline.
Comment: The p.R416P variant (also known as c.1247G>C), located in coding exon 11 of the NF1 gene, results from a G to C substitution at nucleotide position 1247. The arginine at codon 416 is replaced by proline, an amino acid with dissimilar properties. This amino acid position is conserved. In addition, this alteration is predicted to be deleterious by in silico analysis. Since supporting evidence is limited at this time, the clinical significance of this alteration remains unclear.

Labcorp Genetics (formerly Invitae), Labcorp
Classification: Uncertain significance for Neurofibromatosis, type 1. Last evaluated: 2023-07-16. Review status: criteria provided, single submitter. Criteria: Invitae Variant Classification Sherloc (09022015). Collection method: clinical testing. Allele origin: germline.
Comment: In summary, the available evidence is currently insufficient to determine the role of this variant in disease. Therefore, it has been classified as a Variant of Uncertain Significance. Advanced modeling of protein sequence and biophysical properties (such as structural, functional, and spatial information, amino acid conservation, physicochemical variation, residue mobility, and thermodynamic stability) performed at Invitae indicates that this missense variant is expected to disrupt NF1 protein function. ClinVar contains an entry for this variant (Variation ID: 2000283). This variant has not been reported in the literature in individuals affected with NF1-related conditions. This variant is not present in population databases (gnomAD no frequency). This sequence change replaces arginine, which is basic and polar, with proline, which is neutral and non-polar, at codon 416 of the NF1 protein (p.Arg416Pro).